The following is an entry in ClinVar:

ClinVar aggregate classification (germline): Uncertain significance. Review status: criteria provided, multiple submitters, no conflicts (2 of 4 stars). 2 submissions from 2 submitters: Uncertain significance (2). Last evaluated 2024-05-30.

Conditions:
Cardiovascular phenotype. Identifiers: MedGen CN230736.

Allele frequency attached by ClinVar (database versions not stated): gnomAD exomes below 0.00001.
gnomAD v4.1: 4 of 1,550,382 alleles (0.00026%); highest among the groups gnomAD compares: Non-Finnish European, 0.00035%; no homozygotes.

Submissions (2):

Ambry Genetics
Classification: Uncertain significance for Cardiovascular phenotype. Last evaluated: 2024-05-30. Review status: criteria provided, single submitter. Criteria: Ambry Variant Classification Scheme 2023. Collection method: clinical testing. Allele origin: germline.
Comment: The p.G1746E variant (also known as c.5237G>A), located in coding exon 2 of the ZNF469 gene, results from a G to A substitution at nucleotide position 5237. The glycine at codon 1746 is replaced by glutamic acid, an amino acid with similar properties. This amino acid position is conserved. In addition, this alteration is predicted to be tolerated by in silico analysis. Based on the available evidence, the clinical significance of this variant remains unclear.

GeneDx
Classification: Uncertain significance. Last evaluated: 2019-07-01. Review status: criteria provided, single submitter. Criteria: GeneDx Variant Classification Process June 2021. Collection method: clinical testing. Allele origin: germline. Affected: yes.
Comment: Not observed in large population cohorts (Lek et al., 2016); In silico analysis, which includes protein predictors and evolutionary conservation, supports that this variant does not alter protein structure/function; Has not been previously published as pathogenic or benign to our knowledge

NM_001367624.2(ZNF469):c.5321G>A (p.Gly1774Glu)

Gene: ZNF469 (zinc finger protein 469; plus strand). Cytogenetic location: 16q24.2.
Variant type: single nucleotide variant.
Coding change: c.5321G>A on transcript NM_001367624.2 (MANE Select); coding-DNA position 5321, G replaced by A.
Protein change: p.Gly1774Glu; replaces glycine 1774 with glutamic acid.
Molecular consequence: missense variant.
Genome position (GRCh38, 1-based): chr16:88,432,791, G>A. VCF-style: chr16-88432791-G-A. GRCh37 (hg19) VCF-style: chr16-88499199-G-A.
Other names: NM_001127464.1:c.5237G>A; short protein forms G1774E.
Identifiers: ClinVar variation 1303268 (VCV001303268.3), dbSNP rs2142307691, ClinGen allele CA397096783.
Genomic context (GRCh38, chr16:88,432,791, plus strand): 5'-AGGCCGCCAGCTCACAAGAAAGTGAAGACTCCCTGCGGCTGCTTCCCTGTGAACAGAGAG[G>A]AGGGTTCCTCCCAGAGCCCGGCACAGCAGACCAGCCCCACCGAGGGGCCCCTGCTCCAGA-3'
Protein context (NP_001354553.1, residues 1764-1784): SLRLLPCEQR[Gly1774Glu]GFLPEPGTAD